The following is an entry in ClinVar:

NM_015340.4(LARS2):c.2602G>A (p.Glu868Lys)

Gene: LARS2 (leucyl-tRNA synthetase 2, mitochondrial; plus strand). Cytogenetic location: 3p21.31.
Variant type: single nucleotide variant.
Coding change: c.2602G>A on transcript NM_015340.4 (MANE Select); coding-DNA position 2602, G replaced by A.
Protein change: p.Glu868Lys; replaces glutamic acid 868 with lysine.
Molecular consequence: missense variant.
Genome position (GRCh38, 1-based): chr3:45,547,420, G>A. VCF-style: chr3-45547420-G-A. GRCh37 (hg19) VCF-style: chr3-45588912-G-A.
Other names: c.2602G>A, p.Glu868Lys (NM_001368263.1); short protein forms E868K.
Identifiers: ClinVar variation 385400 (VCV000385400.46), dbSNP rs34965084, ClinGen allele CA2349953.

ClinVar aggregate classification (germline): Benign/Likely benign. Review status: criteria provided, multiple submitters, no conflicts (2 of 4 stars). 9 submissions from 9 submitters: Benign (1); Likely benign (7). 1 of the submissions does not count toward it. Last evaluated 2026-02-04.

Conditions:
Perrault syndrome 4 (PRLTS4). Identifiers: Orphanet 2855, MedGen C3809105, MONDO:0014126, OMIM 615300.
LARS2-related disorder. Also called: LARS2-related condition.

Allele frequency attached by ClinVar (database versions not stated): gnomAD exomes 0.00030 and 0.00072; ExAC 0.00091; gnomAD 0.00245 and 0.00260; TOPMed 0.00273; ESP Exome Variant Server 0.00331; 1000 Genomes Project 0.00379; 1000 Genomes Project 30x 0.00390.
gnomAD v4.1: 848 of 1,613,862 alleles (0.053%); highest among the groups gnomAD compares: African/African-American, 0.85%; 5 homozygotes.

Submissions (9):

Labcorp Genetics (formerly Invitae), Labcorp
Classification: Likely benign. Last evaluated: 2026-02-04. Review status: criteria provided, single submitter. Criteria: Invitae Variant Classification Sherloc (09022015). Collection method: clinical testing. Allele origin: germline.

CeGaT Center for Human Genetics Tuebingen
Classification: Likely benign. Last evaluated: 2026-02-01. Review status: criteria provided, single submitter. Criteria: CeGaT Center For Human Genetics Tuebingen Variant Classification Criteria Version 2. Collection method: clinical testing. Allele origin: germline. Affected: yes. Observed: 3 variant alleles.
Comment: LARS2: BP4, BS1

Blueprint Genetics
Classification: Likely benign. Last evaluated: 2024-11-01. Review status: criteria provided, single submitter. Criteria: ACMG Guidelines, 2015. Collection method: clinical testing. Allele origin: germline.

GeneDx
Classification: Likely benign. Last evaluated: 2021-06-25. Review status: criteria provided, single submitter. Criteria: GeneDx Variant Classification Process June 2021. Collection method: clinical testing. Allele origin: germline. Affected: yes.
Comment: This variant is associated with the following publications: (PMID: 19847392)

Dubai Health Genomic Medicine Center, Dubai Health
Classification: Likely benign for Perrault syndrome 4. Last evaluated: 2020-07-23. Review status: criteria provided, single submitter. Criteria: ACMG Guidelines, 2015. Collection method: clinical testing. Allele origin: germline. Affected: yes.

Eurofins Ntd Llc (ga)
Classification: Likely benign. Last evaluated: 2017-04-28. Review status: criteria provided, single submitter. Criteria: EGL Classification Definitions 2015. Collection method: clinical testing. Allele origin: germline. Observed: 2 variant alleles, 2 heterozygotes.

Laboratory for Molecular Medicine, Mass General Brigham Personalized Medicine
Classification: Benign. Last evaluated: 2014-11-24. Review status: criteria provided, single submitter. Criteria: LMM Criteria. Collection method: clinical testing. Allele origin: germline. Observed: 3 variant alleles.
Comment: Glu868Lys in exon 22 of LARS2: This variant is not expected to have clinical sig nificance because it has been identified in 1.0% (42/4406) of African American c hromosomes from a broad population by the NHLBI Exome Sequencing Project (dbSNP rs34965084).

Breakthrough Genomics
Classification: Likely benign. Review status: criteria provided, single submitter. Criteria: ACMG Guidelines, 2015. Collection method: not provided. Allele origin: germline. Inheritance: Autosomal recessive inheritance. Affected: yes.

PreventionGenetics, part of Exact Sciences
Classification: Benign for LARS2-related condition. Last evaluated: 2019-09-04. Review status: no assertion criteria provided. Collection method: clinical testing. Allele origin: germline. Not counted in ClinVar's aggregate classification.
Comment: This variant is classified as benign based on ACMG/AMP sequence variant interpretation guidelines (Richards et al. 2015 PMID: 25741868, with internal and published modifications).